The following is an entry in ClinVar:

NM_198252.3(GSN):c.1811C>T (p.Pro604Leu)

Gene: GSN (gelsolin; plus strand). Cytogenetic location: 9q33.2.
Variant type: single nucleotide variant.
Coding change: c.1811C>T on transcript NM_198252.3 (MANE Select); coding-DNA position 1811, C replaced by T.
Protein change: p.Pro604Leu; replaces proline 604 with leucine.
Molecular consequence: missense variant.
Genome position (GRCh38, 1-based): chr9:121,328,939, C>T. VCF-style: chr9-121328939-C-T. GRCh37 (hg19) VCF-style: chr9-124091217-C-T.
Other names: c.1964C>T, p.Pro655Leu (NM_000177.5); c.1811C>T, p.Pro604Leu (NM_001127662.2, NM_001127664.2, NM_001127665.2 and 10 more transcripts); c.1919C>T, p.Pro640Leu (NM_001127663.2); c.1844C>T, p.Pro615Leu (NM_001127666.2, NM_001127667.2, NM_001353063.2 and 13 more transcripts); c.1862C>T, p.Pro621Leu (NM_001258029.2); c.1835C>T, p.Pro612Leu (NM_001258030.2); c.1883C>T, p.Pro628Leu (NM_001353076.2); c.1157C>T, p.Pro386Leu (NM_001353078.2); short protein forms P386L, P604L, P612L, P615L, P621L, P628L, P640L, P655L.
Identifiers: ClinVar variation 2417450 (VCV002417450.6), dbSNP rs1237553449, ClinGen allele CA374757589.

ClinVar aggregate classification (germline): Uncertain significance (1 of 4 stars; one submission).

Allele frequency attached by ClinVar (database versions not stated): gnomAD 0.00001; TOPMed 0.00002.
gnomAD v4.1: 2 of 1,613,698 alleles (0.00012%); highest among the groups gnomAD compares: African/African-American, 0.0013%; no homozygotes.

Submission:

Labcorp Genetics (formerly Invitae), Labcorp
Classification: Uncertain significance. Last evaluated: 2025-02-20. Review status: criteria provided, single submitter. Criteria: Invitae Variant Classification Sherloc (09022015). Collection method: clinical testing. Allele origin: germline.
Comment: This sequence change replaces proline, which is neutral and non-polar, with leucine, which is neutral and non-polar, at codon 655 of the GSN protein (p.Pro655Leu). This variant is not present in population databases (gnomAD no frequency). This variant has not been reported in the literature in individuals affected with GSN-related conditions. ClinVar contains an entry for this variant (Variation ID: 2417450). Invitae Evidence Modeling of protein sequence and biophysical properties (such as structural, functional, and spatial information, amino acid conservation, physicochemical variation, residue mobility, and thermodynamic stability) indicates that this missense variant is not expected to disrupt GSN protein function with a negative predictive value of 80%. In summary, the available evidence is currently insufficient to determine the role of this variant in disease. Therefore, it has been classified as a Variant of Uncertain Significance.